The following is an entry in ClinVar:

NM_144670.6(A2ML1):c.1219G>A (p.Gly407Ser)

Gene: A2ML1 (alpha-2-macroglobulin like 1; plus strand). Cytogenetic location: 12p13.31.
Variant type: single nucleotide variant.
Coding change: c.1219G>A on transcript NM_144670.6 (MANE Select); coding-DNA position 1219, G replaced by A.
Protein change: p.Gly407Ser; replaces glycine 407 with serine.
Molecular consequence: missense variant.
Genome position (GRCh38, 1-based): chr12:8,841,507, G>A. VCF-style: chr12-8841507-G-A. GRCh37 (hg19) VCF-style: chr12-8994103-G-A.
Other names: short protein forms G407S.
Identifiers: ClinVar variation 942202 (VCV000942202.10), dbSNP rs921912575, ClinGen allele CA232675536.

ClinVar aggregate classification (germline): Uncertain significance. Review status: criteria provided, multiple submitters, no conflicts (2 of 4 stars). 2 submissions from 2 submitters: Uncertain significance (2). Last evaluated 2025-07-10.

Allele frequency attached by ClinVar (database versions not stated): gnomAD exomes below 0.00001 and 0.00001; TOPMed 0.00001.
gnomAD v4.1: 14 of 1,614,016 alleles (0.00087%); highest among the groups gnomAD compares: Middle Eastern, 0.033%; no homozygotes.

Submissions (2):

Labcorp Genetics (formerly Invitae), Labcorp
Classification: Uncertain significance. Last evaluated: 2025-07-10. Review status: criteria provided, single submitter. Criteria: Invitae Variant Classification Sherloc (09022015). Collection method: clinical testing. Allele origin: germline.
Comment: This sequence change replaces glycine, which is neutral and non-polar, with serine, which is neutral and polar, at codon 407 of the A2ML1 protein (p.Gly407Ser). The frequency data for this variant in the population databases is considered unreliable, as metrics indicate poor data quality at this position in the gnomAD database. This variant has not been reported in the literature in individuals affected with A2ML1-related conditions. ClinVar contains an entry for this variant (Variation ID: 942202). An algorithm developed to predict the effect of missense changes on protein structure and function outputs the following: PolyPhen-2: "Benign". The serine amino acid residue is found in multiple mammalian species, which suggests that this missense change does not adversely affect protein function. In summary, the available evidence is currently insufficient to determine the role of this variant in disease. Therefore, it has been classified as a Variant of Uncertain Significance.

Women's Health and Genetics/Laboratory Corporation of America, LabCorp
Classification: Uncertain significance. Last evaluated: 2025-01-24. Review status: criteria provided, single submitter. Criteria: LabCorp Variant Classification Summary - May 2015. Collection method: clinical testing. Allele origin: germline.
Comment: Variant summary: A2ML1 c.1219G>A (p.Gly407Ser) results in a non-conservative amino acid change located in the Macroglobulin domain MG4 (IPR040839) of the encoded protein sequence. Four of five in-silico tools predict a benign effect of the variant on protein function. The variant allele was found at a frequency of 4e-06 in 249396 control chromosomes. The available data on variant occurrences in the general population are insufficient to allow any conclusion about variant significance. To our knowledge, no occurrence of c.1219G>A in individuals affected with Otitis Media, Susceptibility To and no experimental evidence demonstrating its impact on protein function have been reported. ClinVar contains an entry for this variant (Variation ID: 942202). Based on the evidence outlined above, the variant was classified as uncertain significance.